The following is an entry in ClinVar:

NM_001080449.3(DNA2):c.1664C>G (p.Pro555Arg)

Gene: DNA2 (DNA replication helicase/nuclease 2; minus strand). Cytogenetic location: 10q21.3.
Variant type: single nucleotide variant.
Coding change: c.1664C>G on transcript NM_001080449.3 (MANE Select); coding-DNA position 1664, C replaced by G.
Protein change: p.Pro555Arg; replaces proline 555 with arginine.
Molecular consequence: missense variant. On other transcripts: non-coding transcript variant (1).
Genome position (GRCh38, 1-based): chr10:68,432,493, G>C on the plus strand (C>G on the coding strand, the complement: DNA2 is on the minus strand). VCF-style: chr10-68432493-G-C. GRCh37 (hg19) VCF-style: chr10-70192250-G-C.
Other names: short protein forms P555R.
Identifiers: ClinVar variation 3665986 (VCV003665986.2).

ClinVar aggregate classification (germline): Uncertain significance (1 of 4 stars; one submission).

Submission:

Labcorp Genetics (formerly Invitae), Labcorp
Classification: Uncertain significance. Last evaluated: 2024-10-22. Review status: criteria provided, single submitter. Criteria: Invitae Variant Classification Sherloc (09022015). Collection method: clinical testing. Allele origin: germline.
Comment: This sequence change replaces proline, which is neutral and non-polar, with arginine, which is basic and polar, at codon 555 of the DNA2 protein (p.Pro555Arg). This variant is not present in population databases (gnomAD no frequency). This variant has not been reported in the literature in individuals affected with DNA2-related conditions. Invitae Evidence Modeling of protein sequence and biophysical properties (such as structural, functional, and spatial information, amino acid conservation, physicochemical variation, residue mobility, and thermodynamic stability) indicates that this missense variant is not expected to disrupt DNA2 protein function with a negative predictive value of 80%. In summary, the available evidence is currently insufficient to determine the role of this variant in disease. Therefore, it has been classified as a Variant of Uncertain Significance.